The following is an entry in ClinVar:

ClinVar aggregate classification (germline): Uncertain significance (1 of 4 stars; one submission).

Conditions:
Hyperkalemic periodic paralysis. Also called: Familial hyperkalemic periodic paralysis; Gamstorp disease. Identifiers: Orphanet 682, MedGen C0238357, MONDO:0008224, OMIM 170500, HP:0007215.

Allele frequency attached by ClinVar (database versions not stated): TOPMed below 0.00001; gnomAD 0.00001.
gnomAD v4.1: 1 of 1,613,390 alleles (0.000062%); highest among the groups gnomAD compares: Non-Finnish European, 0.000085%; no homozygotes.

Submission:

Labcorp Genetics (formerly Invitae), Labcorp
Classification: Uncertain significance for Hyperkalemic periodic paralysis. Last evaluated: 2025-10-02. Review status: criteria provided, single submitter. Criteria: Invitae Variant Classification Sherloc (09022015). Collection method: clinical testing. Allele origin: germline.
Comment: This sequence change replaces leucine, which is neutral and non-polar, with phenylalanine, which is neutral and non-polar, at codon 1112 of the SCN4A protein (p.Leu1112Phe). This variant is not present in population databases (gnomAD no frequency). This variant has not been reported in the literature in individuals affected with SCN4A-related conditions. ClinVar contains an entry for this variant (Variation ID: 1503195). Invitae Evidence Modeling of protein sequence and biophysical properties (such as structural, functional, and spatial information, amino acid conservation, physicochemical variation, residue mobility, and thermodynamic stability) indicates that this missense variant is not expected to disrupt SCN4A protein function with a negative predictive value of 95%. In summary, the available evidence is currently insufficient to determine the role of this variant in disease. Therefore, it has been classified as a Variant of Uncertain Significance.

NM_000334.4(SCN4A):c.3336G>T (p.Leu1112Phe)

Genes: SCN4A (sodium voltage-gated channel alpha subunit 4; minus strand), GH-LCR (growth hormone locus control region; plus strand). Cytogenetic location: 17q23.3.
Variant type: single nucleotide variant.
Coding change: c.3336G>T on transcript NM_000334.4 (MANE Select); coding-DNA position 3336, G replaced by T.
Protein change: p.Leu1112Phe; replaces leucine 1112 with phenylalanine.
Molecular consequence: missense variant.
Genome position (GRCh38, 1-based): chr17:63,947,150, C>A on the plus strand (G>T on the coding strand, the complement: SCN4A is on the minus strand). VCF-style: chr17-63947150-C-A. GRCh37 (hg19) VCF-style: chr17-62024510-C-A.
Other names: short protein forms L1112F.
Identifiers: ClinVar variation 1503195 (VCV001503195.8), dbSNP rs764409572, ClinGen allele CA400620771.